The following is an entry in ClinVar:

ClinVar aggregate classification (germline): Uncertain significance (1 of 4 stars; one submission).

Conditions:
Cone-rod dystrophy 2 (CORD2). Also called: CONE-ROD RETINAL DYSTROPHY; Cone-rod retinal dystrophy 2. Identifiers: Orphanet 1872, MedGen C3489532, MONDO:0007362, OMIM 120970.
Leber congenital amaurosis 7 (LCA7). Identifiers: Orphanet 65, MedGen C3151192, MONDO:0013449, OMIM 613829.

Allele frequency attached by ClinVar (database versions not stated): ExAC 0.00001; TOPMed 0.00001.
gnomAD v4.1: 2 of 1,613,552 alleles (0.00012%); highest among the groups gnomAD compares: African/African-American, 0.0013%; no homozygotes.

Submission:

Labcorp Genetics (formerly Invitae), Labcorp
Classification: Uncertain significance for Cone-rod dystrophy 2; Leber congenital amaurosis 7. Last evaluated: 2024-10-21. Review status: criteria provided, single submitter. Criteria: Invitae Variant Classification Sherloc (09022015). Collection method: clinical testing. Allele origin: germline.
Comment: This sequence change replaces alanine, which is neutral and non-polar, with valine, which is neutral and non-polar, at codon 198 of the CRX protein (p.Ala198Val). This variant is present in population databases (rs776232503, gnomAD 0.007%). This variant has not been reported in the literature in individuals affected with CRX-related conditions. ClinVar contains an entry for this variant (Variation ID: 1039633). Invitae Evidence Modeling of protein sequence and biophysical properties (such as structural, functional, and spatial information, amino acid conservation, physicochemical variation, residue mobility, and thermodynamic stability) indicates that this missense variant is not expected to disrupt CRX protein function with a negative predictive value of 95%. In summary, the available evidence is currently insufficient to determine the role of this variant in disease. Therefore, it has been classified as a Variant of Uncertain Significance.

NM_000554.6(CRX):c.593C>T (p.Ala198Val)

Gene: CRX (cone-rod homeobox; plus strand). Cytogenetic location: 19q13.33.
Variant type: single nucleotide variant.
Coding change: c.593C>T on transcript NM_000554.6 (MANE Select); coding-DNA position 593, C replaced by T.
Protein change: p.Ala198Val; replaces alanine 198 with valine.
Molecular consequence: missense variant.
Genome position (GRCh38, 1-based): chr19:47,839,660, C>T. VCF-style: chr19-47839660-C-T. GRCh37 (hg19) VCF-style: chr19-48342917-C-T.
Other names: short protein forms A198V.
Identifiers: ClinVar variation 1039633 (VCV001039633.7), dbSNP rs776232503, ClinGen allele CA9544529.
Genomic context (GRCh38, chr19:47,839,660, plus strand): 5'-GGCTGGTGGCCTCAGGGCCGTCTCTGACCTCCGCCCCCTATGCCATGACCTACGCCCCGG[C>T]CTCCGCTTTCTGCTCTTCCCCCTCCGCCTATGGGTCTCCGAGCTCCTATTTCAGCGGCCT-3'
Protein context (NP_000545.1, residues 188-208): SAPYAMTYAP[Ala198Val]SAFCSSPSAY